The following is an entry in ClinVar:

ClinVar aggregate classification (germline): Likely benign. Review status: criteria provided, multiple submitters, no conflicts (2 of 4 stars). 6 submissions from 6 submitters: Likely benign (5). 1 of the submissions does not count toward it. Last evaluated 2026-08-01.

Conditions:
Dilated cardiomyopathy 1G (CMD1G). Identifiers: Orphanet 154, MedGen C1858763, MONDO:0011400, OMIM 604145.
Autosomal recessive limb-girdle muscular dystrophy type 2J (LGMDR10). Also called: Limb-girdle muscular dystrophy, type 2J; MUSCULAR DYSTROPHY, LIMB-GIRDLE, AUTOSOMAL RECESSIVE 10. Identifiers: Orphanet 140922, MedGen C1837342, MONDO:0012127, OMIM 608807.
TTN-related disorder. Also called: TTN-related disorders; TTN-related condition; TTN-related disease.
Cardiovascular phenotype. Identifiers: MedGen CN230736.

Allele frequency attached by ClinVar (database versions not stated): ExAC 0.00001; gnomAD exomes 0.00001 and 0.00002; TOPMed 0.00001; gnomAD 0.00006; ESP Exome Variant Server 0.00008.
gnomAD v4.1: 21 of 1,613,766 alleles (0.0013%); highest among the groups gnomAD compares: East Asian, 0.013%; no homozygotes.

Submissions (6):

CeGaT Center for Human Genetics Tuebingen
Classification: Likely benign. Last evaluated: 2026-08-01. Review status: criteria provided, single submitter. Criteria: CeGaT Center For Human Genetics Tuebingen Variant Classification Criteria Version 2. Collection method: clinical testing. Allele origin: germline. Affected: yes. Observed: 3 variant alleles.
Comment: TTN: BP4, BP7

Labcorp Genetics (formerly Invitae), Labcorp
Classification: Likely benign for Dilated cardiomyopathy 1G; Autosomal recessive limb-girdle muscular dystrophy type 2J. Last evaluated: 2025-11-13. Review status: criteria provided, single submitter. Criteria: Invitae Variant Classification Sherloc (09022015). Collection method: clinical testing. Allele origin: germline.

Mayo Clinic Laboratories, Mayo Clinic
Classification: Likely benign. Last evaluated: 2025-05-06. Review status: criteria provided, single submitter. Criteria: ACMG Guidelines, 2015. Collection method: clinical testing. Allele origin: germline. Observed: 1 variant allele.
Comment: BP4, BP7

Blueprint Genetics
Classification: Likely benign. Last evaluated: 2024-03-21. Review status: criteria provided, single submitter. Criteria: ACMG Guidelines, 2015. Collection method: clinical testing. Allele origin: germline.

Ambry Genetics
Classification: Likely benign for Cardiovascular phenotype. Last evaluated: 2023-10-15. Review status: criteria provided, single submitter. Criteria: Ambry Variant Classification Scheme 2023. Collection method: clinical testing. Allele origin: germline.

PreventionGenetics, part of Exact Sciences
Classification: Likely benign for TTN-related condition. Last evaluated: 2019-02-20. Review status: no assertion criteria provided. Collection method: clinical testing. Allele origin: germline. Not counted in ClinVar's aggregate classification.
Comment: This variant is classified as likely benign based on ACMG/AMP sequence variant interpretation guidelines (Richards et al. 2015 PMID: 25741868, with internal and published modifications).

NM_001267550.2(TTN):c.1413G>A (p.Ala471=)

Gene: TTN (titin; minus strand). Cytogenetic location: 2q31.2.
Variant type: single nucleotide variant.
Coding change: c.1413G>A on transcript NM_001267550.2 (MANE Select); coding-DNA position 1413, G replaced by A.
Protein change: p.Ala471=; no amino-acid change (alanine 471 retained).
Molecular consequence: synonymous variant.
Genome position (GRCh38, 1-based): chr2:178,793,527, C>T on the plus strand (G>A on the coding strand, the complement: TTN is on the minus strand). VCF-style: chr2-178793527-C-T. GRCh37 (hg19) VCF-style: chr2-179658254-C-T.
Other names: p.Ala471=; c.1413G>A, p.Ala471= (NM_001256850.1, NM_003319.4, NM_133378.4 and 3 more transcripts).
Identifiers: ClinVar variation 702667 (VCV000702667.37), dbSNP rs373132777, ClinGen allele CA2006047.
Genomic context (GRCh38, chr2:178,793,527, plus strand): 5'-TAATTCTTGTTCCTTGGCTTTATCGGCGGCCACTACTACCTTAGTTACAGCAGTCTTCTC[C>T]GCTTCCTTTCTTACCTGCTTTTCATAGAGAAAGGAAGAAAACACCTTAATGCATCTTACA-3'
Protein context (NP_001254479.2, residues 461-481): QPAQEQVRKE[Ala471=]EKTAVTKVVV